The following is an entry in ClinVar:

ClinVar aggregate classification (germline): Uncertain significance (1 of 4 stars; one submission).

Submission:

GeneDx
Classification: Uncertain significance. Last evaluated: 2022-02-10. Review status: criteria provided, single submitter. Criteria: GeneDx Variant Classification Process June 2021. Collection method: clinical testing. Allele origin: germline. Affected: yes.
Comment: Not observed at significant frequency in large population cohorts (gnomAD); In silico analysis supports that this missense variant has a deleterious effect on protein structure/function; Has not been previously published as pathogenic or benign to our knowledge

NM_022455.5(NSD1):c.5422C>T (p.His1808Tyr)

Genes: NSD1 (nuclear receptor binding SET domain protein 1; plus strand), LOC126807619 (MED14-independent group 3 enhancer GRCh37_chr5:176696443-176697642; plus strand). Cytogenetic location: 5q35.3.
Variant type: single nucleotide variant.
Coding change: c.5422C>T on transcript NM_022455.5 (MANE Select); coding-DNA position 5422, C replaced by T.
Protein change: p.His1808Tyr; replaces histidine 1808 with tyrosine.
Molecular consequence: missense variant.
Genome position (GRCh38, 1-based): chr5:177,269,720, C>T. VCF-style: chr5-177269720-C-T. GRCh37 (hg19) VCF-style: chr5-176696721-C-T.
Other names: c.4549C>T, p.His1517Tyr (NM_001365684.2, NM_001409308.1, NM_001409309.1 and 1 more transcripts); c.5422C>T, p.His1808Tyr (NM_001409301.1, NM_001409302.1, NM_001409303.1); c.5002C>T, p.His1668Tyr (NM_001409304.1); c.4669C>T, p.His1557Tyr (NM_001409305.1); c.4660C>T, p.His1554Tyr (NM_001409306.1, NM_001409307.1); short protein forms H1539Y, H1808Y, H1557Y, H1668Y, H1554Y, H1517Y.
Identifiers: ClinVar variation 1700924 (VCV001700924.2), dbSNP rs2149934470, ClinGen allele CA362306997.
Genomic context (GRCh38, chr5:177,269,720, plus strand): 5'-AGACATGATGTGGGAGAGTTCCCAGTCCTCTTTTTTGGATCTAATGACTATTTGTGGACT[C>T]ACCAGGCCCGAGTCTTCCCTTACATGGAGGGTGACGTGAGCAGCAAGGATAAGATGGGCA-3'
Protein context (NP_071900.2, residues 1798-1818): FFGSNDYLWT[His1808Tyr]QARVFPYMEG